The following is an entry in ClinVar:

NM_006790.3(MYOT):c.751C>T (p.Arg251Cys)

Genes: MYOT (myotilin; plus strand), PKD2L2-DT (PKD2L2 divergent transcript; minus strand). Cytogenetic location: 5q31.2.
Variant type: single nucleotide variant.
Coding change: c.751C>T on transcript NM_006790.3 (MANE Select); coding-DNA position 751, C replaced by T.
Protein change: p.Arg251Cys; replaces arginine 251 with cysteine.
Molecular consequence: missense variant.
Genome position (GRCh38, 1-based): chr5:137,882,040, C>T. VCF-style: chr5-137882040-C-T. GRCh37 (hg19) VCF-style: chr5-137217729-C-T.
Other names: c.199C>T, p.Arg67Cys (NM_001135940.2); c.406C>T, p.Arg136Cys (NM_001300911.2); short protein forms R67C, R136C, R251C.
Identifiers: ClinVar variation 1037437 (VCV001037437.9), dbSNP rs760118881, ClinGen allele CA3423032.

ClinVar aggregate classification (germline): Uncertain significance (1 of 4 stars; one submission).

Conditions:
Myofibrillar myopathy 3 (MFM3). Also called: Muscular dystrophy, proximal, type 1A; Autosomal dominant spheroid body myopathy. Identifiers: Orphanet 266, Orphanet 268129, MedGen C3714934, MONDO:0012215, OMIM 609200.

Allele frequency attached by ClinVar (database versions not stated): gnomAD 0.00001; gnomAD exomes 0.00001 and 0.00002; ExAC 0.00002; TOPMed 0.00002.
gnomAD v4.1: 13 of 1,613,838 alleles (0.00081%); highest among the groups gnomAD compares: East Asian, 0.0022%; no homozygotes.

Submission:

Labcorp Genetics (formerly Invitae), Labcorp
Classification: Uncertain significance for Myofibrillar myopathy 3. Last evaluated: 2022-08-10. Review status: criteria provided, single submitter. Criteria: Invitae Variant Classification Sherloc (09022015). Collection method: clinical testing. Allele origin: germline.
Comment: This variant has not been reported in the literature in individuals affected with MYOT-related conditions. This variant is present in population databases (rs760118881, gnomAD 0.03%). This sequence change replaces arginine, which is basic and polar, with cysteine, which is neutral and slightly polar, at codon 251 of the MYOT protein (p.Arg251Cys). ClinVar contains an entry for this variant (Variation ID: 1037437). In summary, the available evidence is currently insufficient to determine the role of this variant in disease. Therefore, it has been classified as a Variant of Uncertain Significance. Algorithms developed to predict the effect of missense changes on protein structure and function (SIFT, PolyPhen-2, Align-GVGD) all suggest that this variant is likely to be disruptive.